The following is an entry in ClinVar:

ClinVar aggregate classification (germline): Likely benign. Review status: criteria provided, single submitter (1 of 4 stars). 2 submissions from 2 submitters: Likely benign (1). 1 of the submissions does not count toward it. Last evaluated 2018-05-20.

Conditions:
PRKAR1B-related disorder. Also called: PRKAR1B-related condition.

Allele frequency attached by ClinVar (database versions not stated): gnomAD exomes 0.00004 and 0.00008; ExAC 0.00006; gnomAD 0.00008 and 0.00009; ESP Exome Variant Server 0.00023; TOPMed 0.00023.
gnomAD v4.1: 80 of 1,614,210 alleles (0.005%); highest among the groups gnomAD compares: Middle Eastern, 0.066%; 1 homozygote.

Submissions (2):

Labcorp Genetics (formerly Invitae), Labcorp
Classification: Likely benign. Last evaluated: 2018-05-20. Review status: criteria provided, single submitter. Criteria: Invitae Variant Classification Sherloc (09022015). Collection method: clinical testing. Allele origin: germline.

PreventionGenetics, part of Exact Sciences
Classification: Likely benign for PRKAR1B-related condition. Last evaluated: 2019-06-21. Review status: no assertion criteria provided. Collection method: clinical testing. Allele origin: germline. Not counted in ClinVar's aggregate classification.
Comment: This variant is classified as likely benign based on ACMG/AMP sequence variant interpretation guidelines (Richards et al. 2015 PMID: 25741868, with internal and published modifications).

NM_001164760.2(PRKAR1B):c.63C>T (p.Tyr21=)

Gene: PRKAR1B (protein kinase cAMP-dependent type I regulatory subunit beta; minus strand). Cytogenetic location: 7p22.3.
Variant type: single nucleotide variant.
Coding change: c.63C>T on transcript NM_001164760.2 (MANE Select); coding-DNA position 63, C replaced by T.
Protein change: p.Tyr21=; no amino-acid change (tyrosine 21 retained).
Molecular consequence: synonymous variant.
Genome position (GRCh38, 1-based): chr7:711,443, G>A on the plus strand (C>T on the coding strand, the complement: PRKAR1B is on the minus strand). VCF-style: chr7-711443-G-A. GRCh37 (hg19) VCF-style: chr7-751080-G-A.
Other names: c.63C>T, p.Tyr21= (NM_001164758.2, NM_001164759.1, NM_001164761.2 and 2 more transcripts).
Identifiers: ClinVar variation 745324 (VCV000745324.5), dbSNP rs140735639, ClinGen allele CA4110331.